The following is an entry in ClinVar:

ClinVar aggregate classification (germline): Pathogenic. Review status: reviewed by expert panel (3 of 4 stars). 5 submissions from 5 submitters: Pathogenic (1). 4 of the submissions do not count toward it. Last evaluated 2017-12-15.

Conditions:
Hereditary cancer-predisposing syndrome. Also called: Neoplastic Syndromes, Hereditary; Tumor predisposition; Hereditary neoplastic syndrome; Hereditary Cancer Syndrome. Identifiers: Orphanet 140162, MedGen C0027672, MeSH D009386, MONDO:0015356.
Hereditary breast ovarian cancer syndrome. Also called: Hereditary breast and ovarian cancer syndrome; Hereditary breast and ovarian cancer; Hereditary breast and ovarian cancer syndrome (HBOC); Breast and ovarian cancer; Hereditary breast and/or ovarian cancer syndrome; BRCA1- and BRCA2-Associated Hereditary Breast and Ovarian Cancer. Identifiers: Orphanet 145, MedGen C0677776, MeSH D061325, MONDO:0003582. Disease mechanism: loss of function.
Breast-ovarian cancer, familial, susceptibility to, 2 (BROVCA2). Also called: BRCA2 Hereditary Breast and Ovarian Cancer. Identifiers: Orphanet 145, MedGen C2675520, MONDO:0012933, OMIM 612555. Disease mechanism: loss of function.
Familial cancer of breast. Also called: BREAST CANCER, FAMILIAL; Hereditary breast cancer; hereditary breast carcinoma. Identifiers: Orphanet 227535, MedGen C0346153, MONDO:0016419, OMIM 114480. Disease mechanism: loss of function.

Submissions (5):

Evidence-based Network for the Interpretation of Germline Mutant Alleles (ENIGMA)
Classification: Pathogenic for Breast-ovarian cancer, familial, susceptibility to, 2. Last evaluated: 2017-12-15. Review status: reviewed by expert panel. Criteria: ENIGMA BRCA1/2 Classification Criteria (2017-06-29). Collection method: curation. Allele origin: germline. Study: ENIGMA.
Comment: Variant allele predicted to encode a truncated non-functional protein.

Ambry Genetics
Classification: Pathogenic for Hereditary cancer-predisposing syndrome. Last evaluated: 2024-02-29. Review status: criteria provided, single submitter. Criteria: Ambry Variant Classification Scheme 2023. Collection method: clinical testing. Allele origin: germline. Not counted in ClinVar's aggregate classification.
Comment: The c.8532_8533delAA pathogenic mutation, located in coding exon 19 of the BRCA2 gene, results from a deletion of two nucleotides at nucleotide positions 8532 to 8533, causing a translational frameshift with a predicted alternate stop codon (p.E2846Gfs*22). This alteration is expected to result in loss of function by premature protein truncation or nonsense-mediated mRNA decay. As such, this alteration is interpreted as a disease-causing mutation.

Labcorp Genetics (formerly Invitae), Labcorp
Classification: Pathogenic for Hereditary breast ovarian cancer syndrome. Last evaluated: 2024-02-02. Review status: criteria provided, single submitter. Criteria: Invitae Variant Classification Sherloc (09022015). Collection method: clinical testing. Allele origin: germline. Not counted in ClinVar's aggregate classification.
Comment: This sequence change creates a premature translational stop signal (p.Glu2846Glyfs*22) in the BRCA2 gene. It is expected to result in an absent or disrupted protein product. Loss-of-function variants in BRCA2 are known to be pathogenic (PMID: 20104584). This variant is not present in population databases (gnomAD no frequency). This premature translational stop signal has been observed in individual(s) with breast cancer (PMID: 26183948, 26824983). This variant is also known as c.8531_8532del, 8760delAA, and p.Glu2844fs. ClinVar contains an entry for this variant (Variation ID: 52614). For these reasons, this variant has been classified as Pathogenic.

Quest Diagnostics Nichols Institute San Juan Capistrano
Classification: Pathogenic. Last evaluated: 2020-08-14. Review status: criteria provided, single submitter. Criteria: Quest Diagnostics criteria. Collection method: clinical testing. Allele origin: unknown. Not counted in ClinVar's aggregate classification.
Comment: The variant results in a shift of the reading frame, and is therefore predicted to result in the loss of a functional protein. Found in at least one patient with expected phenotype for this gene, and not found in general population data.

ClinVar Staff, National Center for Biotechnology Information (NCBI)
No classification provided. Condition: Familial cancer of breast. Review status: no classification provided. Collection method: literature only. Allele origin: germline. Affected: yes. Not counted in ClinVar's aggregate classification.

Literature cited by the submitters: PubMed 20104584 (cited by Labcorp Genetics (formerly Invitae), Labcorp); PubMed 26183948 (cited by Labcorp Genetics (formerly Invitae), Labcorp and Quest Diagnostics Nichols Institute San Juan Capistrano); PubMed 26824983 (cited by Labcorp Genetics (formerly Invitae), Labcorp); PubMed 20858050 (cited by Quest Diagnostics Nichols Institute San Juan Capistrano and ClinVar Staff, National Center for Biotechnology Information (NCBI)); PubMed 32300229 (cited by Quest Diagnostics Nichols Institute San Juan Capistrano).

NM_000059.4(BRCA2):c.8532_8533del (p.Glu2846fs)

Gene: BRCA2 (BRCA2 DNA repair associated; plus strand). Cytogenetic location: 13q13.1.
Variant type: Deletion.
Coding change: c.8532_8533del on transcript NM_000059.4 (MANE Select); coding-DNA positions 8532 to 8533, 2 bases deleted (AA; older notation c.8532_8533delAA).
Protein change: p.Glu2846fs; shifts the reading frame from glutamic acid 2846.
Molecular consequence: frameshift variant.
Genome position (GRCh38, 1-based): chr13:32,371,000-32,371,001, AA deleted; deleting any 2 consecutive bases within chr13:32,370,999-32,371,001 gives the same sequence; the c. name uses the placement nearest the transcript's 3' end. VCF-style (leftmost placement, unchanged base first): chr13-32370998-GAA-G. GRCh37 (hg19) VCF-style: chr13-32945135-GAA-G.
Other names: c.8532_8533delAA (NM_000059.3); short protein forms E2846fs.
Identifiers: ClinVar variation 52614 (VCV000052614.14), dbSNP rs397507990, ClinGen allele CA025696.